The following is an entry in ClinVar:

ClinVar aggregate classification (germline): Uncertain significance. Review status: criteria provided, multiple submitters, no conflicts (2 of 4 stars). 2 submissions from 2 submitters: Uncertain significance (2). Last evaluated 2025-10-19.

Conditions:
Inborn genetic diseases. Identifiers: MedGen C0950123, MeSH D030342.

Allele frequency attached by ClinVar (database versions not stated): ExAC 0.00002; gnomAD 0.00002; TOPMed 0.00002; 1000 Genomes Project 30x 0.00016; 1000 Genomes Project 0.00020.
gnomAD v4.1: 92 of 1,613,624 alleles (0.0057%); highest among the groups gnomAD compares: Non-Finnish European, 0.0074%; no homozygotes.

Submissions (2):

Labcorp Genetics (formerly Invitae), Labcorp
Classification: Uncertain significance. Last evaluated: 2025-10-19. Review status: criteria provided, single submitter. Criteria: Invitae Variant Classification Sherloc (09022015). Collection method: clinical testing. Allele origin: germline.
Comment: This sequence change replaces leucine, which is neutral and non-polar, with methionine, which is neutral and non-polar, at codon 3066 of the SRCAP protein (p.Leu3066Met). This variant is present in population databases (rs188422882, gnomAD 0.004%). This variant has not been reported in the literature in individuals affected with SRCAP-related conditions. ClinVar contains an entry for this variant (Variation ID: 2196421). Invitae Evidence Modeling of protein sequence and biophysical properties (such as structural, functional, and spatial information, amino acid conservation, physicochemical variation, residue mobility, and thermodynamic stability) indicates that this missense variant is not expected to disrupt SRCAP protein function with a negative predictive value of 80%. In summary, the available evidence is currently insufficient to determine the role of this variant in disease. Therefore, it has been classified as a Variant of Uncertain Significance.

Ambry Genetics
Classification: Uncertain significance for Inborn genetic diseases. Last evaluated: 2024-10-21. Review status: criteria provided, single submitter. Criteria: Ambry Variant Classification Scheme 2023. Collection method: clinical testing. Allele origin: germline.

NM_006662.3(SRCAP):c.9196C>A (p.Leu3066Met)

Gene: SRCAP (Snf2 related CREBBP activator protein; plus strand). Cytogenetic location: 16p11.2.
Variant type: single nucleotide variant.
Coding change: c.9196C>A on transcript NM_006662.3 (MANE Select); coding-DNA position 9196, C replaced by A.
Protein change: p.Leu3066Met; replaces leucine 3066 with methionine.
Molecular consequence: missense variant.
Genome position (GRCh38, 1-based): chr16:30,739,236, C>A. VCF-style: chr16-30739236-C-A. GRCh37 (hg19) VCF-style: chr16-30750557-C-A.
Other names: c.9196C>A (NM_006662.2); short protein forms L3066M.
Identifiers: ClinVar variation 2196421 (VCV002196421.5), dbSNP rs188422882, ClinGen allele CA8012855.
Genomic context (GRCh38, chr16:30,739,236, plus strand): 5'-GGCCAAGGGGAGAGTGAGGGTAGTTCCTCTGATGAGGATGGAAGCCGCCCCCTCACCCGC[C>A]TGGCCCGCCTTCGGCTTGAAGCAGAAGGAATGCGAGGACGGAAGAGTGGAGGGTCCATGG-3'
Protein context (NP_006653.2, residues 3056-3076): DEDGSRPLTR[Leu3066Met]ARLRLEAEGM